The following is an entry in ClinVar:

NM_015267.4(CUX2):c.2386C>T (p.Leu796Phe)

Gene: CUX2 (cut like homeobox 2; plus strand). Cytogenetic location: 12q24.12.
Variant type: single nucleotide variant.
Coding change: c.2386C>T on transcript NM_015267.4 (MANE Select); coding-DNA position 2386, C replaced by T.
Protein change: p.Leu796Phe; replaces leucine 796 with phenylalanine.
Molecular consequence: missense variant.
Genome position (GRCh38, 1-based): chr12:111,320,395, C>T. VCF-style: chr12-111320395-C-T. GRCh37 (hg19) VCF-style: chr12-111758199-C-T.
Other names: c.2200C>T, p.Leu734Phe (NM_001370598.1); short protein forms L734F, L796F.
Identifiers: ClinVar variation 726609 (VCV000726609.21), dbSNP rs775560554, ClinGen allele CA6788862.

ClinVar aggregate classification (germline): Likely benign. Review status: criteria provided, multiple submitters, no conflicts (2 of 4 stars). 4 submissions from 4 submitters: Likely benign (4). Last evaluated 2026-02-01.

Conditions:
Inborn genetic diseases. Identifiers: MedGen C0950123, MeSH D030342.

Allele frequency attached by ClinVar (database versions not stated): gnomAD exomes 0.00005 and 0.00017; ExAC 0.00011; gnomAD 0.00024; 1000 Genomes Project 30x 0.00031; TOPMed 0.00046.
gnomAD v4.1: 109 of 1,597,944 alleles (0.0068%); highest among the groups gnomAD compares: Admixed American, 0.13%; no homozygotes.

Submissions (4):

CeGaT Center for Human Genetics Tuebingen
Classification: Likely benign. Last evaluated: 2026-02-01. Review status: criteria provided, single submitter. Criteria: CeGaT Center For Human Genetics Tuebingen Variant Classification Criteria Version 2. Collection method: clinical testing. Allele origin: germline. Affected: yes. Observed: 2 variant alleles.
Comment: CUX2: BS1

Blueprint Genetics
Classification: Likely benign. Last evaluated: 2024-11-26. Review status: criteria provided, single submitter. Criteria: ACMG Guidelines, 2015. Collection method: clinical testing. Allele origin: germline.

Ambry Genetics
Classification: Likely benign for Inborn genetic diseases. Last evaluated: 2023-11-03. Review status: criteria provided, single submitter. Criteria: Ambry Variant Classification Scheme 2023. Collection method: clinical testing. Allele origin: germline.

Labcorp Genetics (formerly Invitae), Labcorp
Classification: Likely benign. Last evaluated: 2018-08-15. Review status: criteria provided, single submitter. Criteria: Invitae Variant Classification Sherloc (09022015). Collection method: clinical testing. Allele origin: germline.